The following is an entry in ClinVar:

ClinVar aggregate classification (germline): Uncertain significance (1 of 4 stars; one submission).

Conditions:
Early Myoclonic Encephalopathy. Identifiers: MedGen C0270855.

Submission:

Labcorp Genetics (formerly Invitae), Labcorp
Classification: Uncertain significance for Early Myoclonic Encephalopathy. Last evaluated: 2024-10-30. Review status: criteria provided, single submitter. Criteria: Invitae Variant Classification Sherloc (09022015). Collection method: clinical testing. Allele origin: germline.
Comment: This sequence change replaces leucine, which is neutral and non-polar, with isoleucine, which is neutral and non-polar, at codon 159 of the JMJD1C protein (p.Leu159Ile). Information on the frequency of this variant in the gnomAD database is not available, as this variant may be reported differently in the database. This variant has not been reported in the literature in individuals affected with JMJD1C-related conditions. ClinVar contains an entry for this variant (Variation ID: 1053277). Experimental studies and prediction algorithms are not available or were not evaluated, and the functional significance of this variant is currently unknown. In summary, the available evidence is currently insufficient to determine the role of this variant in disease. Therefore, it has been classified as a Variant of Uncertain Significance.

NM_032776.3(JMJD1C):c.474_475delinsAA (p.Leu159Ile)

Gene: JMJD1C (jumonji domain containing 1C; minus strand). Cytogenetic location: 10q21.3.
Variant type: Indel.
Coding change: c.474_475delinsAA on transcript NM_032776.3 (MANE Select); coding-DNA positions 474 to 475, TC replaced by AA.
Protein change: p.Leu159Ile; replaces leucine 159 with isoleucine.
Molecular consequence: missense variant. On other transcripts: 5 prime UTR variant (3), intron variant (2).
Genome position (GRCh38, 1-based): chr10:63,219,956-63,219,957, GA replaced by TT on the plus strand (TC replaced by AA on the coding strand, the reverse complement: JMJD1C is on the minus strand). VCF-style: chr10-63219956-GA-TT. GRCh37 (hg19) VCF-style: chr10-64979716-GA-TT.
Other names: c.-73_-72delinsAA (NM_001282948.2, NM_001318154.2); c.-395_-394delinsAA (NM_001318153.2); c.360_361delinsAA, p.Leu121Ile (NM_001322252.2); c.-104-2626_-104-2625delinsAA (NM_001322258.2, NM_001322254.2); short protein forms L121I, L159I.
Identifiers: ClinVar variation 1053277 (VCV001053277.7), dbSNP rs2133275184, ClinGen allele CA2499220293.